The following is an entry in ClinVar:

NM_002334.4(LRP4):c.761C>T (p.Ala254Val)

Gene: LRP4 (LDL receptor related protein 4; minus strand). Cytogenetic location: 11p11.2.
Variant type: single nucleotide variant.
Coding change: c.761C>T on transcript NM_002334.4 (MANE Select); coding-DNA position 761, C replaced by T.
Protein change: p.Ala254Val; replaces alanine 254 with valine.
Molecular consequence: missense variant.
Genome position (GRCh38, 1-based): chr11:46,898,593, G>A on the plus strand (C>T on the coding strand, the complement: LRP4 is on the minus strand). VCF-style: chr11-46898593-G-A. GRCh37 (hg19) VCF-style: chr11-46920144-G-A.
Other names: c.761C>T (NM_002334.3); short protein forms A254V.
Identifiers: ClinVar variation 1175793 (VCV001175793.40), dbSNP rs767281769, ClinGen allele CA5970388.

ClinVar aggregate classification (germline): Uncertain significance. Review status: criteria provided, multiple submitters, no conflicts (2 of 4 stars). 4 submissions from 4 submitters: Uncertain significance (4). Last evaluated 2025-01-19.

Conditions:
Cenani-Lenz syndactyly syndrome. Also called: SYNDACTYLY, TYPE VII; CENANI SYNDACTYLISM. Identifiers: Orphanet 3258, MedGen C1859309, MONDO:0008931, OMIM 212780.
Sclerosteosis 2 (SOST2). Identifiers: Orphanet 3152, MedGen C3280402, MONDO:0013679, OMIM 614305.
Congenital myasthenic syndrome 17. Identifiers: Orphanet 590, MedGen C4225377, MONDO:0014578, OMIM 616304.
Inborn genetic diseases. Identifiers: MedGen C0950123, MeSH D030342.

Allele frequency attached by ClinVar (database versions not stated): ExAC 0.00002; gnomAD exomes 0.00002; TOPMed 0.00002; gnomAD 0.00003 and 0.00004.
gnomAD v4.1: 16 of 1,614,016 alleles (0.00099%); highest among the groups gnomAD compares: Admixed American, 0.005%; no homozygotes.

Submissions (4):

Ambry Genetics
Classification: Uncertain significance for Inborn genetic diseases. Last evaluated: 2025-01-19. Review status: criteria provided, single submitter. Criteria: Ambry Variant Classification Scheme 2023. Collection method: clinical testing. Allele origin: germline.

Labcorp Genetics (formerly Invitae), Labcorp
Classification: Uncertain significance for Cenani-Lenz syndactyly syndrome; Sclerosteosis 2; Congenital myasthenic syndrome 17. Last evaluated: 2025-01-06. Review status: criteria provided, single submitter. Criteria: Invitae Variant Classification Sherloc (09022015). Collection method: clinical testing. Allele origin: germline.
Comment: This sequence change replaces alanine, which is neutral and non-polar, with valine, which is neutral and non-polar, at codon 254 of the LRP4 protein (p.Ala254Val). This variant is present in population databases (rs767281769, gnomAD 0.006%). This variant has not been reported in the literature in individuals affected with LRP4-related conditions. ClinVar contains an entry for this variant (Variation ID: 1175793). An algorithm developed to predict the effect of missense changes on protein structure and function (PolyPhen-2) suggests that this variant¬¨‚Ä†is likely to be tolerated. In summary, the available evidence is currently insufficient to determine the role of this variant in disease. Therefore, it has been classified as a Variant of Uncertain Significance.

CeGaT Center for Human Genetics Tuebingen
Classification: Uncertain significance. Last evaluated: 2023-02-01. Review status: criteria provided, single submitter. Criteria: CeGaT Center For Human Genetics Tuebingen Variant Classification Criteria Version 2. Collection method: clinical testing. Allele origin: germline. Affected: yes. Observed: 2 variant alleles.
Comment: LRP4: PM2, BP4

Fulgent Genetics
Classification: Uncertain significance for Cenani-Lenz syndactyly syndrome; Sclerosteosis 2; Congenital myasthenic syndrome 17. Last evaluated: 2021-11-01. Review status: criteria provided, single submitter. Criteria: ACMG Guidelines, 2015. Collection method: clinical testing. Allele origin: unknown.